The following is an entry in ClinVar:

NM_012064.4(MIP):c.606+1G>C

Gene: MIP (major intrinsic protein of lens fiber; minus strand). Cytogenetic location: 12q13.3.
Variant type: single nucleotide variant.
Coding change: c.606+1G>C on transcript NM_012064.4 (MANE Select); the canonical splice donor site of the intron after coding-DNA position 606, G replaced by C.
Molecular consequence: splice donor variant.
Genome position (GRCh38, 1-based): chr12:56,453,071, C>G on the plus strand (G>C on the coding strand, the complement: MIP is on the minus strand). VCF-style: chr12-56453071-C-G. GRCh37 (hg19) VCF-style: chr12-56846855-C-G.
Identifiers: ClinVar variation 1069403 (VCV001069403.10), dbSNP rs1220143491, ClinGen allele CA385270285.
Genomic context (GRCh38, chr12:56,453,071, plus strand): 5'-AACCTGCAGTCCACAACCATCCAGAAGGGCTTCAGGATCTTGCCCCTCTCCCTTCACTCA[C>G]CCAGTGGTTAGTGAAGTTCCCAGTGAGAATGGCAGGAGCAAAGGAGCGGGCAGGATTCAT-3'

ClinVar aggregate classification (germline): Pathogenic/Likely pathogenic. Review status: criteria provided, multiple submitters, no conflicts (2 of 4 stars). 2 submissions from 2 submitters: Pathogenic (1); Likely pathogenic (1). Last evaluated 2022-12-05.

Conditions:
MIP-related disorder. Also called: MIP-related condition.
Cataract 15 multiple types. Also called: CATARACT 15, LAMELLAR WITH SUTURAL OPACITIES. Identifiers: Orphanet 91492, MedGen C3809001, MONDO:0014110, OMIM 615274.

Submissions (2):

Blueprint Genetics
Classification: Likely pathogenic for MIP-related disorders. Last evaluated: 2022-12-05. Review status: criteria provided, single submitter. Criteria: ACMG Guidelines, 2015. Collection method: clinical testing. Allele origin: germline. Affected: yes. Observed: 1 variant allele.

Labcorp Genetics (formerly Invitae), Labcorp
Classification: Pathogenic for Cataract 15 multiple types. Last evaluated: 2022-02-05. Review status: criteria provided, single submitter. Criteria: Invitae Variant Classification Sherloc (09022015). Collection method: clinical testing. Allele origin: germline.
Comment: For these reasons, this variant has been classified as Pathogenic. Variants that disrupt the consensus splice site are a relatively common cause of aberrant splicing (PMID: 17576681, 9536098). Algorithms developed to predict the effect of sequence changes on RNA splicing suggest that this variant may disrupt the consensus splice site. ClinVar contains an entry for this variant (Variation ID: 1069403). Disruption of this splice site has been observed in individuals with congenital cataracts (PMID: 24319327). It has also been observed to segregate with disease in related individuals. This variant is not present in population databases (gnomAD no frequency). This sequence change affects a donor splice site in intron 3 of the MIP gene. While this variant is not anticipated to result in nonsense mediated decay, it likely alters RNA splicing and results in a disrupted protein product.

Literature cited by the submitters: PubMed 17576681 (cited by Labcorp Genetics (formerly Invitae), Labcorp); PubMed 9536098 (cited by Labcorp Genetics (formerly Invitae), Labcorp); PubMed 24319327 (cited by Labcorp Genetics (formerly Invitae), Labcorp).